The following is an entry in ClinVar:

ClinVar aggregate classification (germline): Pathogenic (1 of 4 stars; one submission).

Conditions:
Muscular dystrophy-dystroglycanopathy (congenital with brain and eye anomalies), type A, 7. Also called: WALKER-WARBURG SYNDROME OR MUSCLE-EYE-BRAIN DISEASE, ISPD-RELATED; Congenital muscular dystrophy-dystroglycanopathy with brain and eye anomalies, type A7. Identifiers: Orphanet 899, MedGen C3553330, MONDO:0013835, OMIM 614643.
Autosomal recessive limb-girdle muscular dystrophy type 2U. Also called: Muscular dystrophy-dystroglycanopathy (limb-girdle), type c, 7; MUSCULAR DYSTROPHY, LIMB-GIRDLE, TYPE 2U. Identifiers: Orphanet 352479, MedGen C5190987, MONDO:0014474, OMIM 616052.

Submission:

Labcorp Genetics (formerly Invitae), Labcorp
Classification: Pathogenic for Muscular dystrophy-dystroglycanopathy (congenital with brain and eye anomalies), type A, 7; Autosomal recessive limb-girdle muscular dystrophy type 2U. Last evaluated: 2023-09-27. Review status: criteria provided, single submitter. Criteria: Invitae Variant Classification Sherloc (09022015). Collection method: clinical testing. Allele origin: germline.
Comment: This variant is a gross deletion of the genomic region encompassing exon(s) 7-8 of the ISPD gene. This variant would be expected to be in-frame, preserving the integrity of the reading frame. This variant has not been reported in the literature in individuals affected with ISPD-related conditions. This variant disrupts a region of the ISPD protein in which other variant(s) (p.Val372del) have been determined to be pathogenic (PMID: 23288328, 23390185, 27234031, 31127727). This suggests that this is a clinically significant region of the protein, and that variants that disrupt it are likely to be disease-causing. For these reasons, this variant has been classified as Pathogenic.

Literature cited by the submitters: PubMed 23288328; PubMed 23390185; PubMed 27234031; PubMed 31127727.

NC_000007.14:g.(?_16258370)_(16259032_?)del

Genes: CRPPA-AS1 (CRPPA antisense RNA 1; plus strand), CRPPA (CDP-L-ribitol pyrophosphorylase A; minus strand). Cytogenetic location: 7p21.2.
Variant type: Deletion.
Identifiers: ClinVar variation 540374 (VCV000540374.7).